The following is an entry in ClinVar:

ClinVar aggregate classification (germline): Uncertain significance (0 of 4 stars; one submission).

Conditions:
PODXL-related disorder. Also called: PODXL-related condition.

Submission:

PreventionGenetics, part of Exact Sciences
Classification: Uncertain significance for PODXL-related condition. Last evaluated: 2024-07-22. Review status: no assertion criteria provided. Collection method: clinical testing. Allele origin: germline.
Comment: The PODXL c.208A>G variant is predicted to result in the amino acid substitution p.Lys70Glu. To our knowledge, this variant has not been reported in the literature or in a large population database, indicating this variant is rare. At this time, the clinical significance of this variant is uncertain due to the absence of conclusive functional and genetic evidence.

NM_001018111.3(PODXL):c.208A>G (p.Lys70Glu)

Gene: PODXL (podocalyxin like; minus strand). Cytogenetic location: 7q32.3.
Variant type: single nucleotide variant.
Coding change: c.208A>G on transcript NM_001018111.3 (MANE Select); coding-DNA position 208, A replaced by G.
Protein change: p.Lys70Glu; replaces lysine 70 with glutamic acid.
Molecular consequence: missense variant.
Genome position (GRCh38, 1-based): chr7:131,511,326, T>C on the plus strand (A>G on the coding strand, the complement: PODXL is on the minus strand). VCF-style: chr7-131511326-T-C. GRCh37 (hg19) VCF-style: chr7-131196085-T-C.
Other names: c.208A>G, p.Lys70Glu (NM_005397.4); short protein forms K70E.
Identifiers: ClinVar variation 3351157 (VCV003351157.1).
Genomic context (GRCh38, chr7:131,511,326, plus strand): 5'-GTGAGTCACTGGATACACCAAGGGTGGTCGCCTTGACCGAGGCCAAGATTTCGTTGGCCT[T>C]GGAAGTGGGGACTGTGCTCTGCTGGGCTGTATCTGTAGCCATGATGGTGACACTGGATGC-3'
Protein context (NP_001018121.1, residues 60-80): TAQQSTVPTS[Lys70Glu]ANEILASVKA